The following is an entry in ClinVar:

ClinVar aggregate classification (germline): Uncertain significance (1 of 4 stars; one submission).

Conditions:
Nance-Horan syndrome (NHS). Identifiers: Orphanet 627, MedGen C0796085, MONDO:0010545, OMIM 302350.

Submission:

Labcorp Genetics (formerly Invitae), Labcorp
Classification: Uncertain significance for Nance-Horan syndrome. Last evaluated: 2023-05-09. Review status: criteria provided, single submitter. Criteria: Invitae Variant Classification Sherloc (09022015). Collection method: clinical testing. Allele origin: germline.
Comment: In summary, the available evidence is currently insufficient to determine the role of this variant in disease. Therefore, it has been classified as a Variant of Uncertain Significance. This sequence change replaces proline, which is neutral and non-polar, with glutamine, which is neutral and polar, at codon 1108 of the NHS protein (p.Pro1108Gln). This variant is not present in population databases (gnomAD no frequency). This variant has not been reported in the literature in individuals affected with NHS-related conditions. An algorithm developed to predict the effect of missense changes on protein structure and function (PolyPhen-2) suggests that this variant is likely to be disruptive.

NM_001291867.2(NHS):c.3386C>A (p.Pro1129Gln)

Gene: NHS (NHS actin remodeling regulator; plus strand). Cytogenetic location: Xp22.13.
Variant type: single nucleotide variant.
Coding change: c.3386C>A on transcript NM_001291867.2 (MANE Select); coding-DNA position 3386, C replaced by A.
Protein change: p.Pro1129Gln; replaces proline 1129 with glutamine.
Molecular consequence: missense variant.
Genome position (GRCh38, 1-based): chrX:17,727,492, C>A. VCF-style: chrX-17727492-C-A. GRCh37 (hg19) VCF-style: chrX-17745612-C-A.
Other names: c.2855C>A, p.Pro952Gln (NM_001136024.4); c.2792C>A, p.Pro931Gln (NM_001291868.2); c.3323C>A, p.Pro1108Gln (NM_198270.4); short protein forms P1129Q, P931Q, P952Q, P1108Q.
Identifiers: ClinVar variation 2894740 (VCV002894740.3), dbSNP rs779002657, ClinGen allele CA412363958.